The following is an entry in ClinVar:

ClinVar aggregate classification (germline): Pathogenic (1 of 4 stars; one submission).

Conditions:
Charcot-Marie-Tooth disease type 2. Also called: Charcot-Marie-Tooth type 2. Identifiers: Orphanet 64746, MedGen C0270914, MONDO:0018993.

Submission:

Labcorp Genetics (formerly Invitae), Labcorp
Classification: Pathogenic for Charcot-Marie-Tooth disease type 2. Last evaluated: 2024-06-14. Review status: criteria provided, single submitter. Criteria: Invitae Variant Classification Sherloc (09022015). Collection method: clinical testing. Allele origin: germline.
Comment: This sequence change replaces aspartic acid, which is acidic and polar, with alanine, which is neutral and non-polar, at codon 230 of the LMNA protein (p.Asp230Ala). This variant is not present in population databases (gnomAD no frequency). This missense change has been observed in individual(s) with autosomal dominant LMNA-related conditions (Invitae). In at least one individual the variant was observed to be de novo. Advanced modeling of protein sequence and biophysical properties (such as structural, functional, and spatial information, amino acid conservation, physicochemical variation, residue mobility, and thermodynamic stability) performed at Invitae indicates that this missense variant is expected to disrupt LMNA protein function with a positive predictive value of 95%. For these reasons, this variant has been classified as Pathogenic.

NM_170707.4(LMNA):c.689A>C (p.Asp230Ala)

Gene: LMNA (lamin A/C; plus strand). Cytogenetic location: 1q22.
Variant type: single nucleotide variant.
Coding change: c.689A>C on transcript NM_170707.4 (MANE Select); coding-DNA position 689, A replaced by C.
Protein change: p.Asp230Ala; replaces aspartic acid 230 with alanine.
Molecular consequence: missense variant.
Genome position (GRCh38, 1-based): chr1:156,134,854, A>C. VCF-style: chr1-156134854-A-C. GRCh37 (hg19) VCF-style: chr1-156104645-A-C.
Other names: c.689A>C, p.Asp230Ala (NM_001406984.1, NM_001406985.1, NM_001406991.1 and 6 more transcripts); c.446A>C, p.Asp149Ala (NM_001406986.1, NM_001406987.1, NM_001282624.2); c.392A>C, p.Asp131Ala (NM_001406988.1); c.353A>C, p.Asp118Ala (NM_001406989.1, NM_001257374.3, NM_001406998.1); c.131A>C, p.Asp44Ala (NM_001406990.1, NM_001406993.1, NM_001406995.1 and 4 more transcripts); c.25A>C, p.Thr9Pro (NM_001406994.1, NM_001406999.1, NM_001407000.1 and 1 more transcripts); short protein forms D131A, D118A, D230A, D44A, D149A, T9P.
Identifiers: ClinVar variation 3633629 (VCV003633629.2).